The following is an entry in ClinVar:

NM_001040716.2(PC):c.2535C>T (p.Tyr845=)

Gene: PC (pyruvate carboxylase; minus strand). Cytogenetic location: 11q13.2.
Variant type: single nucleotide variant.
Coding change: c.2535C>T on transcript NM_001040716.2 (MANE Select); coding-DNA position 2535, C replaced by T.
Protein change: p.Tyr845=; no amino-acid change (tyrosine 845 retained).
Molecular consequence: synonymous variant.
Genome position (GRCh38, 1-based): chr11:66,850,403, G>A on the plus strand (C>T on the coding strand, the complement: PC is on the minus strand). VCF-style: chr11-66850403-G-A. GRCh37 (hg19) VCF-style: chr11-66617874-G-A.
Other names: c.2535C>T, p.Tyr845= (NM_000920.4, NM_022172.3); c.2535C>T (NM_001040716.1).
Identifiers: ClinVar variation 760689 (VCV000760689.12), dbSNP rs534635326, ClinGen allele CA6131040.

ClinVar aggregate classification (germline): Benign. Review status: criteria provided, single submitter (1 of 4 stars). 2 submissions from 2 submitters: Benign (1). 1 of the submissions does not count toward it. Last evaluated 2025-10-08.

Conditions:
Pyruvate carboxylase deficiency. Also called: PC DEFICIENCY; ATAXIA WITH LACTIC ACIDOSIS II; LEIGH NECROTIZING ENCEPHALOPATHY DUE TO PYRUVATE CARBOXYLASE DEFICIENCY; LEIGH SYNDROME DUE TO PYRUVATE CARBOXYLASE DEFICIENCY; Pyruvate Carboxylase Deficiency Disease. Identifiers: Orphanet 3008, MedGen C0034341, MONDO:0009949, OMIM 266150.
PC-related disorder. Also called: PC-related condition.

Allele frequency attached by ClinVar (database versions not stated): gnomAD 0.00001 and 0.00004; TOPMed 0.00001; gnomAD exomes 0.00007 and 0.00018; ExAC 0.00018.
gnomAD v4.1: 110 of 1,614,022 alleles (0.0068%); highest among the groups gnomAD compares: South Asian, 0.1%; 1 homozygote.

Submissions (2):

Labcorp Genetics (formerly Invitae), Labcorp
Classification: Benign for Pyruvate carboxylase deficiency. Last evaluated: 2025-10-08. Review status: criteria provided, single submitter. Criteria: Invitae Variant Classification Sherloc (09022015). Collection method: clinical testing. Allele origin: germline.

PreventionGenetics, part of Exact Sciences
Classification: Likely benign for PC-related condition. Last evaluated: 2020-06-30. Review status: no assertion criteria provided. Collection method: clinical testing. Allele origin: germline. Not counted in ClinVar's aggregate classification.
Comment: This variant is classified as likely benign based on ACMG/AMP sequence variant interpretation guidelines (Richards et al. 2015 PMID: 25741868, with internal and published modifications).